The following is an entry in ClinVar:

ClinVar aggregate classification (germline): Likely benign (0 of 4 stars; one submission).

Conditions:
ROBO2-related disorder. Also called: ROBO2-related condition.

Allele frequency attached by ClinVar (database versions not stated): gnomAD exomes 0.00001; TOPMed 0.00001.
gnomAD v4.1: 12 of 1,614,120 alleles (0.00074%); highest among the groups gnomAD compares: Middle Eastern, 0.016%; no homozygotes.

Submission:

PreventionGenetics, part of Exact Sciences
Classification: Likely benign for ROBO2-related condition. Last evaluated: 2024-07-15. Review status: no assertion criteria provided. Collection method: clinical testing. Allele origin: germline.
Comment: This variant is classified as likely benign based on ACMG/AMP sequence variant interpretation guidelines (Richards et al. 2015 PMID: 25741868, with internal and published modifications).

NM_001395656.1(ROBO2):c.384G>C (p.Val128=)

Gene: ROBO2 (roundabout guidance receptor 2; plus strand). Cytogenetic location: 3p12.3.
Variant type: single nucleotide variant.
Coding change: c.384G>C on transcript NM_001395656.1 (MANE Select); coding-DNA position 384, G replaced by C.
Protein change: p.Val128=; no amino-acid change (valine 128 retained).
Molecular consequence: synonymous variant. On other transcripts: 5 prime UTR variant (1).
Genome position (GRCh38, 1-based): chr3:77,098,336, G>C. VCF-style: chr3-77098336-G-C. GRCh37 (hg19) VCF-style: chr3-77147487-G-C.
Other names: c.432G>C, p.Val144= (NM_001128929.3, NM_001378190.1, NM_001378191.1 and 5 more transcripts); c.384G>C, p.Val128= (NM_001290039.2, NM_001290040.2, NM_001378193.1 and 3 more transcripts); c.-1535G>C (NM_001290065.2); c.453G>C, p.Val151= (NM_001378192.1, NM_001378194.1, NM_001378198.1 and 5 more transcripts).
Identifiers: ClinVar variation 3040898 (VCV003040898.2), dbSNP rs1578948133, ClinGen allele CA434623617.